The following is an entry in ClinVar:

NM_178822.5(IGSF10):c.7334_7336dup (p.Ile2445_Ser2446insIle)

Gene: IGSF10 (immunoglobulin superfamily member 10; minus strand). Cytogenetic location: 3q25.1.
Variant type: Duplication.
Coding change: c.7334_7336dup on transcript NM_178822.5 (MANE Select); coding-DNA positions 7334 to 7336, 3 bases duplicated (TCA; older notation c.7334_7336dupTCA).
Protein change: p.Ile2445_Ser2446insIle.
Molecular consequence: inframe insertion.
Genome position (GRCh38, 1-based): chr3:151,437,225-151,437,227, TGA duplicated on the plus strand (TCA on the coding strand, the reverse complement: IGSF10 is on the minus strand); duplicating any 3 consecutive bases within chr3:151,437,225-151,437,229 gives the same sequence; the c. name uses the placement nearest the transcript's 3' end. VCF-style (leftmost placement, unchanged base first): chr3-151437224-C-CTGA. GRCh37 (hg19) VCF-style: chr3-151155012-C-CTGA.
Other names: c.1271_1273dup, p.Ile424_Ser425insIle (NM_001178145.3, NM_001178146.3); c.7334_7336dup, p.Ile2445_Ser2446insIle (NM_001385060.1, NM_001385061.1, NM_001385062.1 and 1 more transcripts).
Identifiers: ClinVar variation 2045068 (VCV002045068.4), dbSNP rs748062082, ClinGen allele CA2669293.

ClinVar aggregate classification (germline): Uncertain significance (1 of 4 stars; one submission).

Submission:

Labcorp Genetics (formerly Invitae), Labcorp
Classification: Uncertain significance. Last evaluated: 2025-03-05. Review status: criteria provided, single submitter. Criteria: Invitae Variant Classification Sherloc (09022015). Collection method: clinical testing. Allele origin: germline.
Comment: This variant, c.7334_7336dup, results in the insertion of 1 amino acid(s) of the IGSF10 protein (p.Ile2445dup), but otherwise preserves the integrity of the reading frame. This variant is present in population databases (rs748062082, gnomAD 0.1%), and has an allele count higher than expected for a pathogenic variant. This variant has not been reported in the literature in individuals affected with IGSF10-related conditions. ClinVar contains an entry for this variant (Variation ID: 2045068). Experimental studies and prediction algorithms are not available or were not evaluated, and the functional significance of this variant is currently unknown. In summary, the available evidence is currently insufficient to determine the role of this variant in disease. Therefore, it has been classified as a Variant of Uncertain Significance.